The following continues an entry in ClinVar:

NM_001458.5(FLNC):c.970-4A>G

Gene: FLNC. ClinVar aggregate classification (germline): Conflicting classifications of pathogenicity. Pathogenic (7); Likely pathogenic (2); Uncertain significance (4); Likely benign (1).

Submissions 10 to 14 of 14:

Greenwood Genetic Center Diagnostic Laboratories, Greenwood Genetic Center
Classification: Pathogenic for FLNC-related disorder. Last evaluated: 2024-09-03. Review status: criteria provided, single submitter. Criteria: ACMG Guidelines, 2015. Collection method: clinical testing. Allele origin: germline. Affected: yes.
Comment: PVS1, PS3_Moderate, PP1

Illumina Laboratory Services, Illumina
Classification: Likely pathogenic for Primary dilated cardiomyopathy. Last evaluated: 2024-04-24. Review status: criteria provided, single submitter. Criteria: ICSLVariantClassificationCriteria RUGD 01 April 2020. Collection method: clinical testing. Allele origin: unknown.
Comment: The FLNC c.970-4A>G variant occurs in a splice region and has been shown to result in a splicing defect leading to premature termination of the protein (PMID: 37164047). This variant has been identified in individuals with cardiomyopathy (PMID: 32112656; 34587765; 37164047). Further, this variant has been shown to segregate with disease in a family (PMID: 37164047). A functional study conducted in patient-derived cardiomyocytes demonstrated that this variant impacts action potential rhythm (PMID: 37164047). The highest frequency of this allele in the Genome Aggregation Database is 0.0002654 in the European (non-Finnish) population (version 4.1.0). This frequency is high but may be consistent with reduced penetrance. Based on the available evidence, the c.970-4A>G variant is classified as likely pathogenic for dilated cardiomyopathy.

CHEO Genetics Diagnostic Laboratory, Children's Hospital of Eastern Ontario
Classification: Likely pathogenic for Cardiomyopathy. Last evaluated: 2024-01-10. Review status: criteria provided, single submitter. Criteria: ACMG Guidelines, 2015. Collection method: clinical testing. Allele origin: germline. Inheritance: Autosomal dominant inheritance.

Roden Lab, Vanderbilt University Medical Center
Classification: Pathogenic for Arrhythmogenic Cardiomyopathy. Last evaluated: 2022-10-28. Review status: criteria provided, single submitter. Criteria: ACMG Guidelines, 2015. Collection method: research. Allele origin: unknown, not applicable. Inheritance: Autosomal dominant inheritance. Affected: yes. Functional consequence: effect on RNA splicing.
Comment: Truncating variants in FLNC are reported to cause a highly penetrant form of arrhythmogenic cardiomyopathy (Gigli, Circulation, 2021). The FLNC c.970-4A>G variant was identified in 4 probands with arrhythmogenic cardiomyopathy, and the variant cosegregated with phenotype in heterozygous family members. Computational tools predicted that the variant activated a cryptic splice acceptor site 3 nucleotides adjacent to the canonical site, leading to inclusion of an in-frame premature termination codon in the mature mRNA. Functional studies confirmed this molecular event in peripheral blood and iPSC-CM RNA analyses, provoking a phenotype consistent with other truncating FLNC variants. These data collectively support criteria to classify FLNC c.970-4A>G as pathogenic.

Molecular Genetics, Royal Melbourne Hospital
Classification: Uncertain significance for Myofibrillar myopathy 5. Last evaluated: 2021-11-11. Review status: criteria provided, single submitter. Criteria: ACMG Guidelines, 2015. Collection method: clinical testing. Allele origin: germline.
Comment: This sequence change falls in the splice region of the acceptor site of intron 5 of FLNC. The variant is present in a large population cohort at a frequency of 0.005% (rs532143625, 15/280,590 alleles, 0 homozygotes in gnomAD v2.1). It has been classified as a variant of uncertain significance and pathogenic previously (ClinVar, LOVD). The variant has been identified in at least two probands with dilated cardiomyopathy (PMID: 32112656, Shariant), and compound heterozygous with a second pathogenic allele in an individual with cardiomyopathy (DOI 10.1161/res.127.suppl_1.454). The nucleotide is not conserved (100 vertebrates, UCSC), and multiple lines of computational evidence predict a impact on splicing (SpliceAI, MaxEntScan, NNSplice). Based on the classification scheme RMH Modified ACMG Guidelines v1.3.1, this variant is classified as a VARIANT OF UNCERTAIN SIGNIFICANCE . Following criteria are met: PP3.

Literature cited by the submitters: PubMed 32112656 (cited by 5 submitters); PubMed 34587765 (cited by 4 submitters); PubMed 37164047 (cited by 5 submitters); PubMed 38761081 (cited by Mayo Clinic Laboratories, Mayo Clinic).